The following is an entry in ClinVar:

NM_004268.5(MED17):c.827T>C (p.Leu276Pro)

Gene: MED17 (mediator complex subunit 17; plus strand). Cytogenetic location: 11q21.
Variant type: single nucleotide variant.
Coding change: c.827T>C on transcript NM_004268.5 (MANE Select); coding-DNA position 827, T replaced by C.
Protein change: p.Leu276Pro; replaces leucine 276 with proline.
Molecular consequence: missense variant.
Genome position (GRCh38, 1-based): chr11:93,794,003, T>C. VCF-style: chr11-93794003-T-C. GRCh37 (hg19) VCF-style: chr11-93527169-T-C.
Other names: short protein forms L276P.
Identifiers: ClinVar variation 4070521 (VCV004070521.1).

ClinVar aggregate classification (germline): Uncertain significance (1 of 4 stars; one submission).

Conditions:
Infantile cerebral and cerebellar atrophy with postnatal progressive microcephaly (MSBA). Identifiers: Orphanet 402364, MedGen C3150921, MONDO:0013351, OMIM 613668.

Submission:

Dept. of Cytogenetics, ICMR- National Institute of Immunohaematology
Classification: Uncertain significance for Infantile cerebral and cerebellar atrophy with postnatal progressive microcephaly. Review status: criteria provided, single submitter. Criteria: ACMG Guidelines, 2015. Collection method: clinical testing. Allele origin: germline. Inheritance: Autosomal recessive inheritance. Affected: yes. Observed: 1 homozygote.
Comment: Leu276Pro is a homozygous missense variant in exon 5 of the MED17 gene. This variant has not been reported in the 1000 genomes, gnomAD (v3.1), gnomAD (v2.1) and topmed databases. The in-silico predictions of the variant are probably damaging by PolyPhen-2 and damaging by SIFT, LRT and MutationTaster2. The reference codon is conserved across species. This variant lies in the "Multicopper oxidase" domain of the MED17 protein (PF07732). Mutations in the MED17 gene have been linked to Postnatal Progressive Microcephaly with Seizures and Brain Atrophy (OMIM#613668).